The following is an entry in ClinVar:

ClinVar aggregate classification (germline): Uncertain significance (1 of 4 stars; one submission).

Submission:

GeneDx
Classification: Uncertain significance. Last evaluated: 2022-10-20. Review status: criteria provided, single submitter. Criteria: GeneDx Variant Classification Process June 2021. Collection method: clinical testing. Allele origin: germline. Affected: yes.
Comment: Not observed at significant frequency in large population cohorts (gnomAD); In silico analysis supports that this missense variant has a deleterious effect on protein structure/function; Has not been previously published as pathogenic or benign to our knowledge

NM_177438.3(DICER1):c.155T>G (p.Leu52Arg)

Gene: DICER1 (dicer 1, ribonuclease III; minus strand). Cytogenetic location: 14q32.13.
Variant type: single nucleotide variant.
Coding change: c.155T>G on transcript NM_177438.3 (MANE Select); coding-DNA position 155, T replaced by G.
Protein change: p.Leu52Arg; replaces leucine 52 with arginine.
Molecular consequence: missense variant. On other transcripts: 5 prime UTR variant (9), non-coding transcript variant (6).
Genome position (GRCh38, 1-based): chr14:95,132,667, A>C on the plus strand (T>G on the coding strand, the complement: DICER1 is on the minus strand). VCF-style: chr14-95132667-A-C. GRCh37 (hg19) VCF-style: chr14-95599004-A-C.
Other names: c.155T>G, p.Leu52Arg (NM_001195573.1, NM_001271282.3, NM_001291628.2 and 15 more transcripts); c.-120T>G (NM_001395686.1, NM_001395687.1, NM_001395688.1 and 4 more transcripts); c.-304T>G (NM_001395691.1); c.-1414T>G (NM_001395697.1); short protein forms L52R.
Identifiers: ClinVar variation 2499683 (VCV002499683.1), dbSNP rs2543372481, ClinGen allele CA390890160.